The following is an entry in ClinVar:

ClinVar aggregate classification (germline): Uncertain significance (1 of 4 stars; one submission).

gnomAD v4.1: 26 of 1,613,244 alleles (0.0016%); highest among the groups gnomAD compares: East Asian, 0.0089%; no homozygotes.

Submission:

Labcorp Genetics (formerly Invitae), Labcorp
Classification: Uncertain significance. Last evaluated: 2025-10-17. Review status: criteria provided, single submitter. Criteria: Invitae Variant Classification Sherloc (09022015). Collection method: clinical testing. Allele origin: germline.
Comment: This sequence change replaces proline, which is neutral and non-polar, with leucine, which is neutral and non-polar, at codon 77 of the LRRC8A protein (p.Pro77Leu). This variant is present in population databases (rs201084502, gnomAD 0.01%). This variant has not been reported in the literature in individuals affected with LRRC8A-related conditions. ClinVar contains an entry for this variant (Variation ID: 1917775). An algorithm developed to predict the effect of missense changes on protein structure and function outputs the following: PolyPhen-2: "Benign". The leucine amino acid residue is found in multiple mammalian species, which suggests that this missense change does not adversely affect protein function. In summary, the available evidence is currently insufficient to determine the role of this variant in disease. Therefore, it has been classified as a Variant of Uncertain Significance.

NM_019594.4(LRRC8A):c.230C>T (p.Pro77Leu)

Gene: LRRC8A (leucine rich repeat containing 8 VRAC subunit A; plus strand). Cytogenetic location: 9q34.11.
Variant type: single nucleotide variant.
Coding change: c.230C>T on transcript NM_019594.4 (MANE Select); coding-DNA position 230, C replaced by T.
Protein change: p.Pro77Leu; replaces proline 77 with leucine.
Molecular consequence: missense variant.
Genome position (GRCh38, 1-based): chr9:128,907,394, C>T. VCF-style: chr9-128907394-C-T. GRCh37 (hg19) VCF-style: chr9-131669673-C-T.
Other names: c.230C>T, p.Pro77Leu (NM_001127244.2, NM_001127245.2); short protein forms P77L.
Identifiers: ClinVar variation 1917775 (VCV001917775.5), dbSNP rs201084502, ClinGen allele CA5270683.